The following is an entry in ClinVar:

ClinVar aggregate classification (germline): Likely pathogenic (1 of 4 stars; one submission).

Conditions:
Ataxia-telangiectasia-like disorder 1 (ATLD1). Identifiers: Orphanet 251347, MedGen C4012790, MONDO:0024557, OMIM 604391.

Allele frequency attached by ClinVar (database versions not stated): TOPMed 0.00001; gnomAD 0.00002.
gnomAD v4.1: 3 of 152,160 alleles (0.002%); highest among the groups gnomAD compares: Non-Finnish European, 0.0044%; no homozygotes.

Submission:

New York Genome Center
Classification: Likely pathogenic for Ataxia-telangiectasia-like disorder 1. Last evaluated: 2023-02-01. Review status: criteria provided, single submitter. Criteria: NYGC Assertion Criteria 2020. Collection method: clinical testing. Allele origin: inherited. Affected: yes. Observed: 1 compound heterozygote. Study: PrenatalSEQ.
Comment: The inherited c.1226-912C>T variant identified in the MRE11 gene is a deep intronic variant located within intron 11/19. This variant is found with low frequency in population databases (gnomADv3.1.2, gnomADv2.1.1, BRAVO-TOPMed and All of Us) with highest allele frequency of 1.5e-5 (3 alleles; All of Us). In silico splicing algorithms consistently predict this variant to possibly or probably affect splicing, with SpliceAI delta score 0.33 (acceptor gain, +119bp) and delta score 0.24 (donor gain, +2bp), Transcript inferred Pathogenicity Score (TraP) score of 0.325 (>97.5% score-percentile), and VarSEAK class 3. This variant is absent from ClinVar and to our current knowledge has not been reported in affected individuals in the literature. Transcriptome Sequencing was performed on messenger RNA (mRNA) from a cultured amniotic fluid sample from this fetus. Targeted data analysis was performed to assess the splicing impact of germline MRE11 variant c.1226-912C>T. This testing indicates the deep intronic c.1226-912C>T variant leads to creation of a new exon between canonical exon 11 and exon 12 of MRE11 and is expected render the variant mRNA to nonsense mediated decay (see separate RNA Sequencing report). Based on the availalbe evidence, the inherited c.1226-912C>T variant identified in the MRE11 gene is classified as Likely Pathogenic

NM_005591.4(MRE11):c.1226-912C>T

Gene: MRE11 (MRE11 homolog, double strand break repair nuclease; minus strand). Cytogenetic location: 11q21.
Variant type: single nucleotide variant.
Coding change: c.1226-912C>T on transcript NM_005591.4 (MANE Select); 912 bases into the intron before coding-DNA position 1226, C replaced by T.
Molecular consequence: intron variant.
Genome position (GRCh38, 1-based): chr11:94,461,948, G>A on the plus strand (C>T on the coding strand, the complement: MRE11 is on the minus strand). VCF-style: chr11-94461948-G-A. GRCh37 (hg19) VCF-style: chr11-94195114-G-A.
Other names: c.1226-912C>T (NM_001330347.2, NM_005590.4).
Identifiers: ClinVar variation 3235945 (VCV003235945.1), dbSNP rs1264872458, ClinGen allele CA600840490.